The following is an entry in ClinVar:

NM_001164508.2(NEB):c.9002del (p.Tyr3001fs)

Gene: NEB (nebulin; minus strand). Cytogenetic location: 2q23.3.
Variant type: Deletion.
Coding change: c.9002del on transcript NM_001164508.2 (MANE Select); coding-DNA position 9002, one base deleted (A; older notation c.9002delA).
Protein change: p.Tyr3001fs; shifts the reading frame from tyrosine 3001.
Molecular consequence: frameshift variant. On other transcripts: intron variant (1).
Genome position (GRCh38, 1-based): chr2:151,636,327, T deleted on the plus strand (A on the coding strand, the reverse complement: NEB is on the minus strand). VCF-style (leftmost placement, unchanged base first): chr2-151636326-GT-G. GRCh37 (hg19) VCF-style: chr2-152492840-GT-G.
Other names: c.9002del, p.Tyr3001fs (NM_001164507.2, NM_001271208.2); c.8853+3566del (NM_004543.5); short protein forms Y3001fs.
Identifiers: ClinVar variation 4081750 (VCV004081750.1).

ClinVar aggregate classification (germline): Pathogenic (1 of 4 stars; one submission).

Conditions:
Nemaline myopathy 2 (NEM2). Also called: Nemaline myopathy 2, autosomal recessive. Identifiers: MedGen C1850569, MONDO:0009725, OMIM 256030.

Submission:

Myriad Genetics, Inc.
Classification: Pathogenic for Nemaline myopathy 2. Last evaluated: 2025-06-24. Review status: criteria provided, single submitter. Criteria: Myriad Autosomal Dominant, Autosomal Recessive and X-Linked Classification Criteria (2023). Collection method: clinical testing. Allele origin: unknown.
Comment: NM_001271208.1(NEB):c.9002delA(Y3001Sfs*60) is a frameshift variant classified as pathogenic in the context of NEB-related nemaline myopathy. Y3001Sfs*60 has not been observed in cases with relevant disease. Relevant functional assessments of this variant are not available in the literature. Y3001Sfs*60 has not been observed in referenced population frequency databases. In summary, NM_001271208.1(NEB):c.9002delA(Y3001Sfs*60) is a frameshift variant in a gene where loss of function is a known mechanism of disease and is predicted to disrupt protein function. Please note: this variant was assessed in the context of healthy population screening.